The following is an entry in ClinVar:

NM_024757.5(EHMT1):c.230C>A (p.Ala77Glu)

Gene: EHMT1 (euchromatic histone lysine methyltransferase 1; plus strand). Cytogenetic location: 9q34.3.
Variant type: single nucleotide variant.
Coding change: c.230C>A on transcript NM_024757.5 (MANE Select); coding-DNA position 230, C replaced by A.
Protein change: p.Ala77Glu; replaces alanine 77 with glutamic acid.
Molecular consequence: missense variant.
Genome position (GRCh38, 1-based): chr9:137,716,770, C>A. VCF-style: chr9-137716770-C-A. GRCh37 (hg19) VCF-style: chr9-140611222-C-A.
Other names: c.230C>A, p.Ala77Glu (NM_001145527.2, NM_001354263.2, NM_001354611.2); c.137C>A, p.Ala46Glu (NM_001354259.2, NM_001354612.2); c.230C>A (NM_024757.4); short protein forms A46E, A77E.
Identifiers: ClinVar variation 2120653 (VCV002120653.7), dbSNP rs762442350, ClinGen allele CA375763457.

ClinVar aggregate classification (germline): Uncertain significance. Review status: criteria provided, multiple submitters, no conflicts (2 of 4 stars). 2 submissions from 2 submitters: Uncertain significance (2). Last evaluated 2022-04-01.

Conditions:
Kleefstra syndrome 1 (KLEFS1). Identifiers: Orphanet 261494, MedGen C0795833, MONDO:0027407, OMIM 610253.

gnomAD v4.1: 1 of 1,613,008 alleles (0.000062%); highest among the groups gnomAD compares: South Asian, 0.0011%; no homozygotes.

Submissions (2):

Labcorp Genetics (formerly Invitae), Labcorp
Classification: Uncertain significance for Kleefstra syndrome 1. Last evaluated: 2022-04-01. Review status: criteria provided, single submitter. Criteria: Invitae Variant Classification Sherloc (09022015). Collection method: clinical testing. Allele origin: germline.
Comment: Algorithms developed to predict the effect of missense changes on protein structure and function are either unavailable or do not agree on the potential impact of this missense change (SIFT: "Deleterious"; PolyPhen-2: "Benign"; Align-GVGD: "Class C0"). This variant has not been reported in the literature in individuals affected with EHMT1-related conditions. This variant is not present in population databases (gnomAD no frequency). This sequence change replaces alanine, which is neutral and non-polar, with glutamic acid, which is acidic and polar, at codon 77 of the EHMT1 protein (p.Ala77Glu). In summary, the available evidence is currently insufficient to determine the role of this variant in disease. Therefore, it has been classified as a Variant of Uncertain Significance.

Revvity Omics, Revvity
Classification: Uncertain significance for Kleefstra syndrome 1. Last evaluated: 2019-10-19. Review status: criteria provided, single submitter. Criteria: ACMG Guidelines, 2015. Collection method: clinical testing. Allele origin: germline.